The following is an entry in ClinVar:

NM_206933.4(USH2A):c.7045dup (p.Trp2349fs)

Gene: USH2A (usherin; minus strand). Cytogenetic location: 1q41.
Variant type: Duplication.
Coding change: c.7045dup on transcript NM_206933.4 (MANE Select); coding-DNA position 7045, one base duplicated (T; older notation c.7045dupT).
Protein change: p.Trp2349fs; shifts the reading frame from tryptophan 2349.
Molecular consequence: frameshift variant.
Genome position (GRCh38, 1-based): chr1:215,965,392, A duplicated on the plus strand (T on the coding strand, the reverse complement: USH2A is on the minus strand). VCF-style (leftmost placement, unchanged base first): chr1-215965391-C-CA. GRCh37 (hg19) VCF-style: chr1-216138733-C-CA.
Other names: c.7045dupT (NM_206933.4); short protein forms W2349fs.
Identifiers: ClinVar variation 3068843 (VCV003068843.2), dbSNP rs2527554359, ClinGen allele CA2586968238.

ClinVar aggregate classification (germline): Pathogenic (1 of 4 stars; one submission).

Conditions:
Usher syndrome. Also called: Usher Syndromes; Usher's syndrome. Identifiers: Orphanet 886, MedGen CN469326, MeSH D052245, MONDO:0019501. Disease mechanism: loss of function.

Submission:

Women's Health and Genetics/Laboratory Corporation of America, LabCorp
Classification: Pathogenic for Retinitis pigmentosa-deafness syndrome. Last evaluated: 2024-02-07. Review status: criteria provided, single submitter. Criteria: LabCorp Variant Classification Summary - May 2015. Collection method: clinical testing. Allele origin: germline.
Comment: Variant summary: USH2A c.7045dupT (p.Trp2349LeufsX8) results in a premature termination codon, predicted to cause a truncation of the encoded protein or absence of the protein due to nonsense mediated decay, which are commonly known mechanisms for disease. The variant was absent in 251296 control chromosomes. c.7045dupT has been reported in the literature in at least one individual affected with hereditary hearing impairment (e.g. Wu_2019). To our knowledge, no experimental evidence demonstrating an impact on protein function has been reported. The following publication has been ascertained in the context of this evaluation (PMID: 31581539). No submitters have cited clinical-significance assessments for this variant to ClinVar. Based on the evidence outlined above, the variant was classified as pathogenic.

Literature cited by the submitters: PubMed 31581539.